The following is an entry in ClinVar:

NM_018294.6(CWF19L1):c.964+2dup

Gene: CWF19L1 (CWF19 like cell cycle control factor 1; minus strand). Cytogenetic location: 10q24.31.
Variant type: Duplication.
Coding change: c.964+2dup on transcript NM_018294.6 (MANE Select); the canonical splice donor site of the intron after coding-DNA position 964, one base duplicated (T; older notation c.964+2dupT).
Molecular consequence: splice donor variant.
Genome position (GRCh38, 1-based): chr10:100,245,797, A duplicated on the plus strand (T on the coding strand, the reverse complement: CWF19L1 is on the minus strand). VCF-style (leftmost placement, unchanged base first): chr10-100245796-T-TA. GRCh37 (hg19) VCF-style: chr10-102005553-T-TA.
Other names: c.553+2dup (NM_001303406.2, NM_001303405.2); c.229+2dup (NM_001303407.2); c.964+2dup (NM_001303404.2).
Identifiers: ClinVar variation 5039601 (VCV005039601.1).
Genomic context (GRCh38, chr10:100,245,796, plus strand): 5'-CAAAGAAAAGCCAAAATAACAGTTACTGTTCATAGAAGAAACCTCTGGAATAAAGGTACT[T>TA]ACGAGGTTTGCGAGGCTGCTTTGGATGAGGAGAAGATTTGCTATCTCTACCTGTGGATGA-3'

ClinVar aggregate classification (germline): Uncertain significance (1 of 4 stars; one submission).

Submission:

CeGaT Center for Human Genetics Tuebingen
Classification: Uncertain significance. Last evaluated: 2026-08-01. Review status: criteria provided, single submitter. Criteria: CeGaT Center For Human Genetics Tuebingen Variant Classification Criteria Version 2. Collection method: clinical testing. Allele origin: germline. Affected: yes. Observed: 1 variant allele.
Comment: CWF19L1: PM2, PP3